The following is an entry in ClinVar:

NM_022455.5(NSD1):c.6355G>C (p.Asp2119His)

Gene: NSD1 (nuclear receptor binding SET domain protein 1; plus strand). Cytogenetic location: 5q35.3.
Variant type: single nucleotide variant.
Coding change: c.6355G>C on transcript NM_022455.5 (MANE Select); coding-DNA position 6355, G replaced by C.
Protein change: p.Asp2119His; replaces aspartic acid 2119 with histidine.
Molecular consequence: missense variant.
Genome position (GRCh38, 1-based): chr5:177,292,050, G>C. VCF-style: chr5-177292050-G-C. GRCh37 (hg19) VCF-style: chr5-176719051-G-C.
Other names: c.6355G>C, p.Asp2119His (NM_001409303.1, NM_001409301.1, NM_001409302.1); c.5935G>C, p.Asp1979His (NM_001409304.1); c.5602G>C, p.Asp1868His (NM_001409305.1); c.5593G>C, p.Asp1865His (NM_001409306.1, NM_001409307.1); c.5482G>C, p.Asp1828His (NM_001409308.1, NM_172349.5, NM_001365684.2); c.5233G>C, p.Asp1745His (NM_001409309.1); short protein forms D1745H, D1828H, D1865H, D1868H, D1979H, D2119H.
Identifiers: ClinVar variation 3377124 (VCV003377124.1).

ClinVar aggregate classification (germline): Uncertain significance (1 of 4 stars; one submission).

Conditions:
Sotos syndrome (SOTOS). Also called: Sotos' syndrome; Distinctive facial appearance, overgrowth in childhood, and learning disabilities or delayed development; CEREBRAL GIGANTISM; CHROMOSOME 5q35 DELETION SYNDROME; SOTOS SYNDROME 1. Identifiers: Orphanet 821, MedGen C0175695, MONDO:0019349, OMIM 117550.

Submission:

Victorian Clinical Genetics Services, Murdoch Childrens Research Institute
Classification: Uncertain significance for Sotos syndrome. Last evaluated: 2024-10-09. Review status: criteria provided, single submitter. Criteria: ACMG Guidelines, 2015. Collection method: clinical testing. Allele origin: germline. Inheritance: Autosomal dominant inheritance. Affected: yes.
Comment: Based on the classification scheme VCGS_Germline_v1.3.5, this variant is classified as VUS-3A. Following criteria are met: 0102 - Loss of function is a known mechanism of disease in this gene and is associated with Sotos syndrome (MIM#117550). (I) 0107 - This gene is associated with autosomal dominant disease. (I) 0200 - Variant is predicted to result in a missense amino acid change from aspartic acid to histidine. (I) 0251 - This variant is heterozygous. (I) 0301 - Variant is absent from gnomAD (v2, v3 and v4). (SP) 0309 - An alternative amino acid change at the same position has been observed in gnomAD (v4; 9 heterozygotes, 0 homozygotes). (I) 0501 - Missense variant consistently predicted to be damaging by multiple in silico tools or highly conserved with a major amino acid change. (SP) 0600 - Variant is located in the annotated PHD-4 domain (PMID: 22924495). (I) 0702 - Other missense variants comparable to the one identified in this case have strong previous evidence for pathogenicity. the p.(Asp2119Gly) variant has been reported in multiple individuals with Sotos syndrome (PMIDs: 16247291, 22924495, 37989294) and has been reported as pathogenic and likely pathogenic by clinical laboratories (ClinVar). In addition, the p.(Asp2119Asn) variant has been reported as likely pathogenic by a clinical laboratory (ClinVar). (SP) 0807 - This variant has no previous evidence of pathogenicity. (I) 0905 - No published segregation evidence has been identified for this variant. (I) 1007 - No published functional evidence has been identified for this variant. (SP) Legend: (SP) - Supporting pathogenic, (I) - Information, (SB) - Supporting benign

Literature cited by the submitters: PubMed 16247291; PubMed 22924495; PubMed 37989294.